The following is an entry in ClinVar:

NM_018122.5(DARS2):c.1344+294T>A

Gene: DARS2 (aspartyl-tRNA synthetase 2, mitochondrial; plus strand). Cytogenetic location: 1q25.1.
Variant type: single nucleotide variant.
Coding change: c.1344+294T>A on transcript NM_018122.5 (MANE Select); 294 bases into the intron after coding-DNA position 1344, T replaced by A.
Molecular consequence: intron variant.
Genome position (GRCh38, 1-based): chr1:173,850,773, T>A. VCF-style: chr1-173850773-T-A. GRCh37 (hg19) VCF-style: chr1-173819911-T-A.
Other names: c.1192-2576T>A (NM_001365212.1); c.1344+294T>A (NM_001365213.2).
Identifiers: ClinVar variation 673683 (VCV000673683.1), dbSNP rs80232493, ClinGen allele CA32782181.

ClinVar aggregate classification (germline): Benign (1 of 4 stars; one submission).

Allele frequency attached by ClinVar (database versions not stated): gnomAD 0.01681 and 0.01779; TOPMed 0.01882; 1000 Genomes Project 0.02536; 1000 Genomes Project 30x 0.02561.
gnomAD v4.1: 2,540 of 151,900 alleles (1.7%); highest among the groups gnomAD compares: African/African-American, 5.6%; 78 homozygotes.

Submission:

GeneDx
Classification: Benign. Last evaluated: 2018-06-16. Review status: criteria provided, single submitter. Criteria: GeneDx Variant Classification (06012015). Collection method: clinical testing. Allele origin: germline. Affected: yes.
Comment: This variant is considered likely benign or benign based on one or more of the following criteria: it is a conservative change, it occurs at a poorly conserved position in the protein, it is predicted to be benign by multiple in silico algorithms, and/or has population frequency not consistent with disease.